The following is an entry in ClinVar:

ClinVar aggregate classification (germline): Likely pathogenic (1 of 4 stars; one submission).

Conditions:
Leber congenital amaurosis (LCA). Also called: Leber's amaurosis. Identifiers: Orphanet 65, MedGen C0339527, MeSH D057130, MONDO:0018998.

Submission:

Natera, Inc.
Classification: Likely pathogenic for Leber congenital amaurosis. Last evaluated: 2024-05-21. Review status: criteria provided, single submitter. Criteria: Natera Variant Classification Schema (03/2026). Collection method: clinical testing. Allele origin: germline.
Comment: The c.4570del variant in CEP290 is a frameshift variant predicted to shift the reading frame beginning at codon 1524 and leads to a stop codon 12 codons downstream. This variant is expected to result in nonsense mediated decay, truncation, or a dysfunctional protein product. This variant is rare in the general population with a frequency below the threshold expected for the associated phenotype(s). Given the available evidence, this variant is classified as Likely Pathogenic.

NM_025114.4(CEP290):c.4570del (p.Arg1524fs)

Gene: CEP290 (centrosomal protein 290; minus strand). Cytogenetic location: 12q21.32.
Variant type: Deletion.
Coding change: c.4570del on transcript NM_025114.4 (MANE Select); coding-DNA position 4570, one base deleted (A; older notation c.4570delA).
Protein change: p.Arg1524fs; shifts the reading frame from arginine 1524.
Molecular consequence: frameshift variant.
Genome position (GRCh38, 1-based): chr12:88,084,720, T deleted on the plus strand (A on the coding strand, the reverse complement: CEP290 is on the minus strand). VCF-style (leftmost placement, unchanged base first): chr12-88084719-CT-C. GRCh37 (hg19) VCF-style: chr12-88478496-CT-C.
Other names: short protein forms R1524fs.
Identifiers: ClinVar variation 4816217 (VCV004816217.1).